The following is an entry in ClinVar:

ClinVar aggregate classification (germline): Benign (1 of 4 stars; one submission).

Conditions:
Leigh syndrome (NULS). Also called: Leigh's necrotizing encephalopathy; Leigh's disease; Leigh's syndrome; LEIGH SYNDROME, NUCLEAR; Leigh Syndrome (mtDNA deletion); Leigh Disease. Identifiers: Orphanet 506, MedGen C2931891, MONDO:0009723, OMIM 256000.

Submission:

Wong Mito Lab, Molecular and Human Genetics, Baylor College of Medicine
Classification: Benign for Leigh syndrome. Last evaluated: 2019-10-17. Review status: criteria provided, single submitter. Criteria: Modified ACMG Guidelines (Unpublished). Collection method: clinical testing. Allele origin: germline.
Comment: The NC_012920.1:m.14163C>T (YP_003024037.1:p.Ala171Thr) variant in MTND6 gene is interpretated to be a Benign variant based on the modified ACMG guidelines (unpublished). This variant meets the following evidence codes: BS1, BS4, BP4

Literature cited by the submitters: PubMed 21504270; PubMed 21838605.

NC_012920.1(MT-ND6):m.14163C>T

Gene: MT-ND6 (mitochondrially encoded NADH dehydrogenase 6; minus strand).
Variant type: single nucleotide variant.
Genome position: chrM-14163-C-T.
Identifiers: ClinVar variation 693681 (VCV000693681.1), dbSNP rs1603224574, ClinGen allele CA414821187.